The following is an entry in ClinVar:

NM_001353453.3(CCDC160):c.937TCA[1] (p.Ser315del)

Gene: CCDC160 (coiled-coil domain containing 160; plus strand). Cytogenetic location: Xq26.2.
Variant type: Microsatellite.
Coding change: c.937TCA[1] on transcript NM_001353453.3 (MANE Select); one copy of the 3-base unit TCA starting at c.937; the reference has two copies in a row; one copy, 3 bases deleted.
Protein change: p.Ser315del; deletes serine 315.
Molecular consequence: inframe deletion.
Genome position (GRCh38, 1-based): chrX:134,245,740-134,245,742, TCA deleted; deleting any 3 consecutive bases within chrX:134,245,735-134,245,742 gives the same sequence; the position shown is the placement nearest the transcript's 3' end. VCF-style (leftmost placement, unchanged base first): chrX-134245734-ACAT-A. GRCh37 (hg19) VCF-style: chrX-133379764-ACAT-A.
Other names: c.937TCA[1], p.Ser315del (NM_001101357.3, NM_001393996.1); short protein forms S315del.
Identifiers: ClinVar variation 2661472 (VCV002661472.24), dbSNP rs1434983001, ClinGen allele CA644578096.

ClinVar aggregate classification (germline): Uncertain significance (1 of 4 stars; one submission).

Submission:

CeGaT Center for Human Genetics Tuebingen
Classification: Uncertain significance. Last evaluated: 2023-07-01. Review status: criteria provided, single submitter. Criteria: CeGaT Center For Human Genetics Tuebingen Variant Classification Criteria Version 2. Collection method: clinical testing. Allele origin: germline. Affected: yes. Observed: 1 variant allele.
Comment: CCDC160: PM2, PM4:Supporting